The following is an entry in ClinVar:

NM_205834.4(LSR):c.310C>T (p.Gln104Ter)

Gene: LSR (lipolysis stimulated lipoprotein receptor; plus strand). Cytogenetic location: 19q13.12.
Variant type: single nucleotide variant.
Coding change: c.310C>T on transcript NM_205834.4 (MANE Select); coding-DNA position 310, C replaced by T.
Protein change: p.Gln104Ter; replaces glutamine 104 with a stop codon.
Molecular consequence: nonsense.
Genome position (GRCh38, 1-based): chr19:35,250,515, C>T. VCF-style: chr19-35250515-C-T. GRCh37 (hg19) VCF-style: chr19-35741418-C-T.
Other names: c.310C>T, p.Gln104Ter (NM_001260489.2, NM_001260490.2, NM_001385215.1 and 2 more transcripts); short protein forms Q104*.
Identifiers: ClinVar variation 2803131 (VCV002803131.3), dbSNP rs2513447584, ClinGen allele CA405286067.

ClinVar aggregate classification (germline): Uncertain significance (1 of 4 stars; one submission).

gnomAD v4.1: 2 of 1,614,168 alleles (0.00012%); no homozygotes.

Submission:

Labcorp Genetics (formerly Invitae), Labcorp
Classification: Uncertain significance. Last evaluated: 2023-10-13. Review status: criteria provided, single submitter. Criteria: Invitae Variant Classification Sherloc (09022015). Collection method: clinical testing. Allele origin: germline.
Comment: This sequence change creates a premature translational stop signal (p.Gln152*) in the LSR gene. It is expected to result in an absent or disrupted protein product. However, the current clinical and genetic evidence is not sufficient to establish whether loss-of-function variants in LSR cause disease. This variant is not present in population databases (gnomAD no frequency). This variant has not been reported in the literature in individuals affected with LSR-related conditions. In summary, the available evidence is currently insufficient to determine the role of this variant in disease. Therefore, it has been classified as a Variant of Uncertain Significance.